The following is an entry in ClinVar:

ClinVar aggregate classification (germline): Uncertain significance (1 of 4 stars; one submission).

gnomAD v4.1: 9 of 1,611,978 alleles (0.00056%); highest among the groups gnomAD compares: East Asian, 0.0022%; no homozygotes.

Submission:

Labcorp Genetics (formerly Invitae), Labcorp
Classification: Uncertain significance. Last evaluated: 2024-03-28. Review status: criteria provided, single submitter. Criteria: Invitae Variant Classification Sherloc (09022015). Collection method: clinical testing. Allele origin: germline.
Comment: This sequence change replaces proline, which is neutral and non-polar, with serine, which is neutral and polar, at codon 1432 of the LTBP4 protein (p.Pro1432Ser). This variant is present in population databases (rs761300620, gnomAD 0.003%). This variant has not been reported in the literature in individuals affected with LTBP4-related conditions. Experimental studies and prediction algorithms are not available or were not evaluated, and the functional significance of this variant is currently unknown. In summary, the available evidence is currently insufficient to determine the role of this variant in disease. Therefore, it has been classified as a Variant of Uncertain Significance.

NM_001042545.2(LTBP4):c.4204C>T (p.Pro1402Ser)

Gene: LTBP4 (latent transforming growth factor beta binding protein 4; plus strand). Cytogenetic location: 19q13.2.
Variant type: single nucleotide variant.
Coding change: c.4204C>T on transcript NM_001042545.2 (MANE Select); coding-DNA position 4204, C replaced by T.
Protein change: p.Pro1402Ser; replaces proline 1402 with serine.
Molecular consequence: missense variant.
Genome position (GRCh38, 1-based): chr19:40,627,193, C>T. VCF-style: chr19-40627193-C-T. GRCh37 (hg19) VCF-style: chr19-41133098-C-T.
Other names: c.4405C>T, p.Pro1469Ser (NM_001042544.1); c.4294C>T, p.Pro1432Ser (NM_003573.2); short protein forms P1432S, P1402S, P1469S.
Identifiers: ClinVar variation 3631616 (VCV003631616.1).
Genomic context (GRCh38, chr19:40,627,193, plus strand): 5'-TACGACCCCTACCCACCGCCACCTGGGCCCTTCGCCCGCCGGGAGGCTCCTTATGGGGCA[C>T]CCCGCTTCGACATGCCAGACTTTGAGGACGATGGTGGCCCCTATGGCGAATCTGAGGCTC-3'
Protein context (NP_001036010.1, residues 1392-1412): FARREAPYGA[Pro1402Ser]RFDMPDFEDD